The following is an entry in ClinVar:

NM_005709.4(USH1C):c.1220del (p.Gly407fs)

Gene: USH1C (USH1 protein network component harmonin; minus strand). Cytogenetic location: 11p15.1.
Variant type: Deletion.
Coding change: c.1220del on transcript NM_005709.4 (MANE Plus Clinical); coding-DNA position 1220, one base deleted (G; older notation c.1220delG).
Protein change: p.Gly407fs; shifts the reading frame from glycine 407.
Molecular consequence: frameshift variant. On other transcripts: intron variant (1).
Genome position (GRCh38, 1-based): chr11:17,517,465, C deleted on the plus strand (G on the coding strand, the reverse complement: USH1C is on the minus strand); the first of 3 consecutive C bases (chr11:17,517,465-17,517,467); deleting any one gives the same sequence. VCF-style (leftmost placement, unchanged base first): chr11-17517464-TC-T. GRCh37 (hg19) VCF-style: chr11-17539011-TC-T.
Other names: c.1163del, p.Gly388fs (NM_001297764.2); c.1211-1175del (NM_153676.4); c.1220del (NM_005709.3); short protein forms G388fs, G407fs.
Identifiers: ClinVar variation 555064 (VCV000555064.15), dbSNP rs1207247951, ClinGen allele CA597667226.

ClinVar aggregate classification (germline): Pathogenic. Review status: criteria provided, multiple submitters, no conflicts (2 of 4 stars). 7 submissions from 7 submitters: Pathogenic (3). 4 of the submissions do not count toward it. Last evaluated 2024-04-05.

Conditions:
Usher syndrome type 1C. Also called: USHER SYNDROME, TYPE I, ACADIAN VARIETY. Identifiers: Orphanet 231169, Orphanet 886, MedGen C1848604, MONDO:0010171, OMIM 276904.
Autosomal recessive nonsyndromic hearing loss 18A. Also called: DEAFNESS, AUTOSOMAL RECESSIVE 18; Deafness, autosomal recessive 18A. Identifiers: Orphanet 90636, MedGen C1865870, MONDO:0011192, OMIM 602092.
Retinitis pigmentosa (RP). Identifiers: Orphanet 791, MedGen C0035334, MeSH D012174, MONDO:0019200, OMIM 268000. Inheritance: Autosomal dominant, autosomal recessive and X linked inheritance.

Submissions (7):

Fulgent Genetics
Classification: Pathogenic for Usher syndrome type 1C; Autosomal recessive nonsyndromic hearing loss 18A. Last evaluated: 2024-04-05. Review status: criteria provided, single submitter. Criteria: ACMG Guidelines, 2015. Collection method: clinical testing. Allele origin: germline.

Labcorp Genetics (formerly Invitae), Labcorp
Classification: Pathogenic. Last evaluated: 2024-02-17. Review status: criteria provided, single submitter. Criteria: Invitae Variant Classification Sherloc (09022015). Collection method: clinical testing. Allele origin: germline.
Comment: This sequence change creates a premature translational stop signal (p.Gly407Glufs*58) in the USH1C gene. It is expected to result in an absent or disrupted protein product. Loss-of-function variants in USH1C are known to be pathogenic (PMID: 10973247, 17407589, 20301442, 21203349). This variant is not present in population databases (gnomAD no frequency). This premature translational stop signal has been observed in individual(s) with Usher syndrome or retinitis pigmentosa (PMID: 23251578, 29490346). ClinVar contains an entry for this variant (Variation ID: 555064). For these reasons, this variant has been classified as Pathogenic.

Baylor Genetics
Classification: Pathogenic for Autosomal recessive nonsyndromic hearing loss 18A. Last evaluated: 2023-11-14. Review status: criteria provided, single submitter. Criteria: ACMG Guidelines, 2015. Collection method: clinical testing. Allele origin: unknown.

Natera, Inc.
Classification: Pathogenic for Usher syndrome type 1C. Last evaluated: 2020-08-12. Review status: no assertion criteria provided. Collection method: clinical testing. Allele origin: germline. Not counted in ClinVar's aggregate classification.

Sharon lab, Hadassah-Hebrew University Medical Center
Classification: Pathogenic for Retinitis pigmentosa. Last evaluated: 2019-06-23. Review status: no assertion criteria provided. Collection method: research. Allele origin: inherited. Affected: yes. Not counted in ClinVar's aggregate classification.

Counsyl
Classification: Pathogenic for Usher syndrome type 1C; Autosomal recessive nonsyndromic hearing loss 18A. Last evaluated: 2017-11-15. Review status: no assertion criteria provided. Collection method: clinical testing. Allele origin: unknown. Not counted in ClinVar's aggregate classification.

OMIM
Classification: Pathogenic for USHER SYNDROME, TYPE IC. Last evaluated: 2012-01-01. Review status: no assertion criteria provided. Collection method: literature only. Allele origin: germline. Not counted in ClinVar's aggregate classification.

Literature cited by the submitters: PubMed 10973247 (cited by Labcorp Genetics (formerly Invitae), Labcorp); PubMed 17407589 (cited by Labcorp Genetics (formerly Invitae), Labcorp); PubMed 20301442 (cited by Labcorp Genetics (formerly Invitae), Labcorp); PubMed 21203349 (cited by Labcorp Genetics (formerly Invitae), Labcorp); PubMed 23251578 (cited by 3 submitters); PubMed 29490346 (cited by Labcorp Genetics (formerly Invitae), Labcorp).